The following is an entry in ClinVar:

ClinVar aggregate classification (germline): Likely benign. Review status: criteria provided, multiple submitters, no conflicts (2 of 4 stars). 4 submissions from 4 submitters: Likely benign (4). Last evaluated 2026-01-05.

Conditions:
Early Infantile Epileptic Encephalopathy, Autosomal Dominant.
Migraine, familial hemiplegic, 1. Also called: MIGRAINE, FAMILIAL HEMIPLEGIC 1, WITH PROGRESSIVE CEREBELLAR ATAXIA. Identifiers: Orphanet 569, MedGen C1832884, MONDO:0020756, OMIM 141500, MONDO:0007714.
Inborn genetic diseases. Identifiers: MedGen C0950123, MeSH D030342.
Developmental and epileptic encephalopathy, 42 (DEE42A). Also called: DEVELOPMENTAL AND EPILEPTIC ENCEPHALOPATHY 42A; EPILEPTIC ENCEPHALOPATHY, EARLY INFANTILE, 42A; Epileptic encephalopathy, early infantile, 42. Identifiers: MedGen C4310716, MONDO:0014917, OMIM 617106.
Episodic ataxia type 2 (EA2). Also called: ATAXIA, EPISODIC, WITH NYSTAGMUS; ATAXIA, FAMILIAL PAROXYSMAL; CEREBELLAR ATAXIA, PAROXYSMAL, ACETAZOLAMIDE-RESPONSIVE; CEREBELLOPATHY, HEREDITARY PAROXYSMAL; ACETAZOLAMIDE-RESPONSIVE HEREDITARY PAROXYSMAL CEREBELLAR ATAXIA; EPISODIC ATAXIA, NYSTAGMUS-ASSOCIATED. Identifiers: Orphanet 97, MedGen C1720416, MONDO:0007163, OMIM 108500.

Allele frequency attached by ClinVar (database versions not stated): gnomAD exomes 0.00004 and 0.00008; gnomAD 0.00006; TOPMed 0.00006; ExAC 0.00011; ESP Exome Variant Server 0.00016.
gnomAD v4.1: 70 of 1,569,870 alleles (0.0045%); highest among the groups gnomAD compares: Non-Finnish European, 0.006%; 1 homozygote.

Submissions (4):

Labcorp Genetics (formerly Invitae), Labcorp
Classification: Likely benign for Developmental and epileptic encephalopathy, 42; Episodic ataxia type 2. Last evaluated: 2026-01-05. Review status: criteria provided, single submitter. Criteria: Invitae Variant Classification Sherloc (09022015). Collection method: clinical testing. Allele origin: germline.

CeGaT Center for Human Genetics Tuebingen
Classification: Likely benign. Last evaluated: 2023-11-01. Review status: criteria provided, single submitter. Criteria: CeGaT Center For Human Genetics Tuebingen Variant Classification Criteria Version 2. Collection method: clinical testing. Allele origin: germline. Affected: yes. Observed: 1 variant allele.
Comment: CACNA1A: BP4, BP7

GeneDx
Classification: Likely benign. Last evaluated: 2021-03-20. Review status: criteria provided, single submitter. Criteria: GeneDx Variant Classification Process June 2021. Collection method: clinical testing. Allele origin: germline. Affected: yes.

Ambry Genetics
Classification: Likely benign for Inborn genetic diseases. Last evaluated: 2017-12-15. Review status: criteria provided, single submitter. Criteria: Ambry Variant Classification Scheme 2023. Collection method: clinical testing. Allele origin: germline.

NM_001127222.2(CACNA1A):c.546G>A (p.Leu182=)

Gene: CACNA1A (calcium voltage-gated channel subunit alpha1 A; minus strand). Cytogenetic location: 19p13.13.
Variant type: single nucleotide variant.
Coding change: c.546G>A on transcript NM_001127222.2 (MANE Select); coding-DNA position 546, G replaced by A.
Protein change: p.Leu182=; no amino-acid change (leucine 182 retained).
Molecular consequence: synonymous variant.
Genome position (GRCh38, 1-based): chr19:13,371,773, C>T on the plus strand (G>A on the coding strand, the complement: CACNA1A is on the minus strand). VCF-style: chr19-13371773-C-T. GRCh37 (hg19) VCF-style: chr19-13482587-C-T.
Other names: c.546G>A, p.Leu182= (NM_000068.4, NM_001127221.2, NM_001174080.2 and 1 more transcripts).
Identifiers: ClinVar variation 391229 (VCV000391229.40), dbSNP rs368347143, ClinGen allele CA9241009.
Genomic context (GRCh38, chr19:13,371,773, plus strand): 5'-CGGCCGCAGCACTCGAACTGCCCTCAGCGTCCGTAGGTCAAACTCCGTCCCAACTGTCGC[C>T]AAGATGCTGAAAGAAAGAAGCCAGAATGGAGAACAGAGGGTGGGTTTTGGGGGTCAGACA-3'
Protein context (NP_001120694.1, residues 172-192): MDFVVVLTGI[Leu182=]ATVGTEFDLR